The following is an entry in ClinVar:

NM_153460.4(IL17RC):c.991C>T (p.Arg331Trp)

Gene: IL17RC (interleukin 17 receptor C; plus strand). Cytogenetic location: 3p25.3.
Variant type: single nucleotide variant.
Coding change: c.991C>T on transcript NM_153460.4 (MANE Select); coding-DNA position 991, C replaced by T.
Protein change: p.Arg331Trp; replaces arginine 331 with tryptophan.
Molecular consequence: missense variant. On other transcripts: non-coding transcript variant (1).
Genome position (GRCh38, 1-based): chr3:9,928,418, C>T. VCF-style: chr3-9928418-C-T. GRCh37 (hg19) VCF-style: chr3-9970102-C-T.
Other names: c.991C>T, p.Arg331Trp (NM_001203263.2, NM_001203264.2); c.946C>T, p.Arg316Trp (NM_001203265.2, NM_001367280.1, NM_032732.6); c.952C>T, p.Arg318Trp (NM_001367278.1); c.871C>T, p.Arg291Trp (NM_001367279.1); c.1204C>T, p.Arg402Trp (NM_153461.4); short protein forms R331W, R402W, R291W, R316W, R318W.
Identifiers: ClinVar variation 665792 (VCV000665792.8), dbSNP rs146328564, ClinGen allele CA2247092.

ClinVar aggregate classification (germline): Uncertain significance. Review status: criteria provided, multiple submitters, no conflicts (2 of 4 stars). 2 submissions from 2 submitters: Uncertain significance (2). Last evaluated 2025-12-30.

Conditions:
Candidiasis, familial, 9 (CANDF9). Identifiers: Orphanet 1334, MedGen C4225324, MONDO:0014642, OMIM 616445.

Allele frequency attached by ClinVar (database versions not stated): TOPMed 0.00009; ExAC 0.00012; gnomAD 0.00013 and 0.00014; ESP Exome Variant Server 0.00015; gnomAD exomes 0.00019 and 0.00021; 1000 Genomes Project 0.00020; 1000 Genomes Project 30x 0.00031.
gnomAD v4.1: 325 of 1,606,612 alleles (0.02%); highest among the groups gnomAD compares: Admixed American, 0.042%; no homozygotes.

Submissions (2):

Labcorp Genetics (formerly Invitae), Labcorp
Classification: Uncertain significance for Candidiasis, familial, 9. Last evaluated: 2025-12-30. Review status: criteria provided, single submitter. Criteria: Invitae Variant Classification Sherloc (09022015). Collection method: clinical testing. Allele origin: germline.
Comment: This sequence change replaces arginine, which is basic and polar, with tryptophan, which is neutral and slightly polar, at codon 402 of the IL17RC protein (p.Arg402Trp). This variant is present in population databases (rs146328564, gnomAD 0.05%). This variant has not been reported in the literature in individuals affected with IL17RC-related conditions. ClinVar contains an entry for this variant (Variation ID: 665792). An algorithm developed to predict the effect of missense changes on protein structure and function (PolyPhen-2) suggests that this variant is likely to be tolerated. In summary, the available evidence is currently insufficient to determine the role of this variant in disease. Therefore, it has been classified as a Variant of Uncertain Significance.

Ambry Genetics
Classification: Uncertain significance. Last evaluated: 2025-01-26. Review status: criteria provided, single submitter. Criteria: Ambry Variant Classification Scheme 2023. Collection method: clinical testing. Allele origin: germline.